The following is an entry in ClinVar:

NM_000384.3(APOB):c.12368T>C (p.Ile4123Thr)

Gene: APOB (apolipoprotein B; minus strand). Cytogenetic location: 2p24.1.
Variant type: single nucleotide variant.
Coding change: c.12368T>C on transcript NM_000384.3 (MANE Select); coding-DNA position 12368, T replaced by C.
Protein change: p.Ile4123Thr; replaces isoleucine 4123 with threonine.
Molecular consequence: missense variant.
Genome position (GRCh38, 1-based): chr2:21,003,054, A>G on the plus strand (T>C on the coding strand, the complement: APOB is on the minus strand). VCF-style: chr2-21003054-A-G. GRCh37 (hg19) VCF-style: chr2-21225926-A-G.
Other names: short protein forms I4123T.
Identifiers: ClinVar variation 1756823 (VCV001756823.2), dbSNP rs372018753, ClinGen allele CA050122.

ClinVar aggregate classification (germline): Uncertain significance (1 of 4 stars; one submission).

Conditions:
Cardiovascular phenotype. Identifiers: MedGen CN230736.

Allele frequency attached by ClinVar (database versions not stated): gnomAD exomes 0.00001; ExAC 0.00003; TOPMed 0.00003; gnomAD 0.00005; ESP Exome Variant Server 0.00008.
gnomAD v4.1: 17 of 1,569,718 alleles (0.0011%); highest among the groups gnomAD compares: African/African-American, 0.014%; no homozygotes.

Submission:

Ambry Genetics
Classification: Uncertain significance for Cardiovascular phenotype. Last evaluated: 2022-07-10. Review status: criteria provided, single submitter. Criteria: Ambry Variant Classification Scheme 2023. Collection method: clinical testing. Allele origin: germline.
Comment: The p.I4123T variant (also known as c.12368T>C), located in coding exon 29 of the APOB gene, results from a T to C substitution at nucleotide position 12368. The isoleucine at codon 4123 is replaced by threonine, an amino acid with similar properties. This amino acid position is conserved. In addition, this alteration is predicted to be tolerated by in silico analysis. Since supporting evidence is limited at this time, the clinical significance of this alteration remains unclear.